The following is an entry in ClinVar:

ClinVar aggregate classification (germline): Uncertain significance (1 of 4 stars; one submission).

Conditions:
Hereditary cancer-predisposing syndrome. Also called: Neoplastic Syndromes, Hereditary; Tumor predisposition; Hereditary Cancer Syndrome; Hereditary neoplastic syndrome. Identifiers: Orphanet 140162, MedGen C0027672, MeSH D009386, MONDO:0015356.

Submission:

Ambry Genetics
Classification: Uncertain significance for Hereditary cancer-predisposing syndrome. Last evaluated: 2022-01-05. Review status: criteria provided, single submitter. Criteria: Ambry Variant Classification Scheme 2023. Collection method: clinical testing. Allele origin: germline.
Comment: The p.F1131L variant (also known as c.3393T>G), located in coding exon 17 of the BLM gene, results from a T to G substitution at nucleotide position 3393. The phenylalanine at codon 1131 is replaced by leucine, an amino acid with highly similar properties. This amino acid position is conserved. In addition, the in silico prediction for this alteration is inconclusive. Since supporting evidence is limited at this time, the clinical significance of this alteration remains unclear.

NM_000057.4(BLM):c.3393T>G (p.Phe1131Leu)

Gene: BLM (BLM RecQ like helicase; plus strand). Cytogenetic location: 15q26.1.
Variant type: single nucleotide variant.
Coding change: c.3393T>G on transcript NM_000057.4 (MANE Select); coding-DNA position 3393, T replaced by G.
Protein change: p.Phe1131Leu; replaces phenylalanine 1131 with leucine.
Molecular consequence: missense variant. On other transcripts: intron variant (1).
Genome position (GRCh38, 1-based): chr15:90,803,555, T>G. VCF-style: chr15-90803555-T-G. GRCh37 (hg19) VCF-style: chr15-91346785-T-G.
Other names: c.3393T>G, p.Phe1131Leu (NM_001287246.2); c.2268T>G, p.Phe756Leu (NM_001287248.2); c.3358+5218T>G (NM_001287247.2); short protein forms F1131L, F756L.
Identifiers: ClinVar variation 1730933 (VCV001730933.2), dbSNP rs2505546782, ClinGen allele CA393847502.